The following is an entry in ClinVar:

NM_178857.6(RP1L1):c.5211G>A (p.Gly1737=)

Gene: RP1L1 (RP1 like 1). Cytogenetic location: 8p23.1.
Variant type: single nucleotide variant.
Coding change: c.5211G>A on transcript NM_178857.6 (MANE Select); coding-DNA position 5211, G replaced by A.
Protein change: p.Gly1737=; no amino-acid change (glycine 1737 retained).
Molecular consequence: synonymous variant.
Genome position (GRCh38, 1-based): chr8:10,608,887, C>T on the plus strand (G>A on the coding strand, the complement: RP1L1 is on the minus strand). VCF-style: chr8-10608887-C-T. GRCh37 (hg19) VCF-style: chr8-10466397-C-T.
Identifiers: ClinVar variation 361257 (VCV000361257.48), dbSNP rs201594207, ClinGen allele CA4623731.

ClinVar aggregate classification (germline): Benign/Likely benign. Review status: criteria provided, multiple submitters, no conflicts (2 of 4 stars). 3 submissions from 3 submitters: Benign (1); Likely benign (2). Last evaluated 2024-11-18.

Conditions:
Occult macular dystrophy (OCMD). Also called: OMD; OCCULT MACULAR DYSTROPHY, SUSCEPTIBILITY TO. Identifiers: Orphanet 247834, MedGen C3150833, MONDO:0013316, OMIM 613587, HP:0030636.

Allele frequency attached by ClinVar (database versions not stated): 1000 Genomes Project 30x 0.00031; ESP Exome Variant Server 0.00041; TOPMed 0.00046.
gnomAD v4.1: 696 of 1,614,018 alleles (0.043%); highest among the groups gnomAD compares: Non-Finnish European, 0.049%; 1 homozygote.

Submissions (3):

Blueprint Genetics
Classification: Likely benign. Last evaluated: 2024-11-18. Review status: criteria provided, single submitter. Criteria: ACMG Guidelines, 2015. Collection method: clinical testing. Allele origin: germline.

CeGaT Center for Human Genetics Tuebingen
Classification: Likely benign. Last evaluated: 2024-06-01. Review status: criteria provided, single submitter. Criteria: CeGaT Center For Human Genetics Tuebingen Variant Classification Criteria Version 2. Collection method: clinical testing. Allele origin: germline. Affected: yes. Observed: 5 variant alleles.
Comment: RP1L1: BP4, BP7

Illumina Laboratory Services, Illumina
Classification: Benign for Occult macular dystrophy. Last evaluated: 2018-01-13. Review status: criteria provided, single submitter. Criteria: ICSL Variant Classification Criteria 13 December 2019. Collection method: clinical testing. Allele origin: germline.
Comment: This variant was observed in the ICSL laboratory as part of a predisposition screen in an ostensibly healthy population. It had not been previously curated by ICSL or reported in the Human Gene Mutation Database (HGMD: prior to June 1st, 2018), and was therefore a candidate for classification through an automated scoring system. Utilizing variant allele frequency, disease prevalence and penetrance estimates, and inheritance mode, an automated score was calculated to assess if this variant is too frequent to cause the disease. Based on the score and internal cut-off values, a variant classified as benign is not then subjected to further curation. The score for this variant resulted in a classification of benign for this disease.